The following is an entry in ClinVar:

ClinVar aggregate classification (germline): Benign/Likely benign. Review status: criteria provided, multiple submitters, no conflicts (2 of 4 stars). 5 submissions from 5 submitters: Benign (1); Likely benign (3). 1 of the submissions does not count toward it. Last evaluated 2026-01-12.

Conditions:
FBN2-related disorder. Also called: FBN2-related condition.
Congenital contractural arachnodactyly (CCA). Also called: BEALS SYNDROME; Arthrogryposis, distal, type 9; Beals-Hecht syndrome. Identifiers: Orphanet 115, MedGen C0220668, MONDO:0007363, OMIM 121050.

Allele frequency attached by ClinVar (database versions not stated): gnomAD 0.00007 and 0.00008; gnomAD exomes 0.00008 and 0.00014; TOPMed 0.00011; ExAC 0.00012; ESP Exome Variant Server 0.00031.
gnomAD v4.1: 129 of 1,613,584 alleles (0.008%); highest among the groups gnomAD compares: Middle Eastern, 0.016%; no homozygotes.

Submissions (5):

Labcorp Genetics (formerly Invitae), Labcorp
Classification: Likely benign for Congenital contractural arachnodactyly. Last evaluated: 2026-01-12. Review status: criteria provided, single submitter. Criteria: Invitae Variant Classification Sherloc (09022015). Collection method: clinical testing. Allele origin: germline.

Women's Health and Genetics/Laboratory Corporation of America, LabCorp
Classification: Benign. Last evaluated: 2024-06-09. Review status: criteria provided, single submitter. Criteria: LabCorp Variant Classification Summary - May 2015. Collection method: clinical testing. Allele origin: germline.

Blueprint Genetics
Classification: Likely benign. Last evaluated: 2022-10-21. Review status: criteria provided, single submitter. Criteria: ACMG Guidelines, 2015. Collection method: clinical testing. Allele origin: germline.

GeneDx
Classification: Likely benign. Last evaluated: 2020-12-02. Review status: criteria provided, single submitter. Criteria: GeneDx Variant Classification Process June 2021. Collection method: clinical testing. Allele origin: germline. Affected: yes.

PreventionGenetics, part of Exact Sciences
Classification: Likely benign for FBN2-related condition. Last evaluated: 2022-02-22. Review status: no assertion criteria provided. Collection method: clinical testing. Allele origin: germline. Not counted in ClinVar's aggregate classification.
Comment: This variant is classified as likely benign based on ACMG/AMP sequence variant interpretation guidelines (Richards et al. 2015 PMID: 25741868, with internal and published modifications).

NM_001999.4(FBN2):c.6512-7A>G

Gene: FBN2 (fibrillin 2; minus strand). Cytogenetic location: 5q23.3.
Variant type: single nucleotide variant.
Coding change: c.6512-7A>G on transcript NM_001999.4 (MANE Select); 7 bases into the intron before coding-DNA position 6512, A replaced by G.
Molecular consequence: intron variant.
Genome position (GRCh38, 1-based): chr5:128,289,259, T>C on the plus strand (A>G on the coding strand, the complement: FBN2 is on the minus strand). VCF-style: chr5-128289259-T-C. GRCh37 (hg19) VCF-style: chr5-127624951-T-C.
Identifiers: ClinVar variation 239091 (VCV000239091.17), dbSNP rs201462445, ClinGen allele CA3394382.